The following is an entry in ClinVar:

NM_002705.5(PPL):c.1011C>T (p.Arg337=)

Gene: PPL (periplakin; minus strand). Cytogenetic location: 16p13.3.
Variant type: single nucleotide variant.
Coding change: c.1011C>T on transcript NM_002705.5 (MANE Select); coding-DNA position 1011, C replaced by T.
Protein change: p.Arg337=; no amino-acid change (arginine 337 retained).
Molecular consequence: synonymous variant.
Genome position (GRCh38, 1-based): chr16:4,895,678, G>A on the plus strand (C>T on the coding strand, the complement: PPL is on the minus strand). VCF-style: chr16-4895678-G-A. GRCh37 (hg19) VCF-style: chr16-4945679-G-A.
Identifiers: ClinVar variation 2646172 (VCV002646172.24), dbSNP rs140231595, ClinGen allele CA7886740.

ClinVar aggregate classification (germline): Likely benign (1 of 4 stars; one submission).

Allele frequency attached by ClinVar (database versions not stated): TOPMed 0.00020; ExAC 0.00023; gnomAD 0.00023; ESP Exome Variant Server 0.00031; gnomAD exomes 0.00045.
gnomAD v4.1: 681 of 1,613,890 alleles (0.042%); highest among the groups gnomAD compares: Non-Finnish European, 0.055%; no homozygotes.

Submission:

CeGaT Center for Human Genetics Tuebingen
Classification: Likely benign. Last evaluated: 2022-03-01. Review status: criteria provided, single submitter. Criteria: CeGaT Center For Human Genetics Tuebingen Variant Classification Criteria Version 2. Collection method: clinical testing. Allele origin: germline. Affected: yes. Observed: 1 variant allele.
Comment: PPL: BP4, BP7